The following is an entry in ClinVar:

NM_006060.6(IKZF1):c.160+18G>A

Gene: IKZF1 (IKAROS family zinc finger 1; plus strand). Cytogenetic location: 7p12.2.
Variant type: single nucleotide variant.
Coding change: c.160+18G>A on transcript NM_006060.6 (MANE Select); 18 bases into the intron after coding-DNA position 160, G replaced by A.
Molecular consequence: intron variant.
Genome position (GRCh38, 1-based): chr7:50,327,775, G>A. VCF-style: chr7-50327775-G-A. GRCh37 (hg19) VCF-style: chr7-50367371-G-A.
Other names: c.160+18G>A (NM_001410879.1, NM_001291839.2, NM_001220765.3 and 14 more transcripts).
Identifiers: ClinVar variation 2114447 (VCV002114447.4), dbSNP rs998375461, ClinGen allele CA158661187.
Genomic context (GRCh38, chr7:50,327,775, plus strand): 5'-ACCTCGGGAGGACAGCAAAGCTCCAAGAGTGACAGAGTCGTGGGTAAGTGGGTCACCAGC[G>A]GCCTCTGTGCCTGTGAAACCTTTATCTCTTTGTATTTTTCCAAGACAGTGATGAAGGGAT-3'

ClinVar aggregate classification (germline): Uncertain significance (1 of 4 stars; one submission).

Allele frequency attached by ClinVar (database versions not stated): gnomAD 0.00002; gnomAD exomes 0.00002; TOPMed 0.00003.
gnomAD v4.1: 13 of 1,597,536 alleles (0.00081%); highest among the groups gnomAD compares: African/African-American, 0.0067%; no homozygotes.

Submission:

Labcorp Genetics (formerly Invitae), Labcorp
Classification: Uncertain significance. Last evaluated: 2022-05-07. Review status: criteria provided, single submitter. Criteria: Invitae Variant Classification Sherloc (09022015). Collection method: clinical testing. Allele origin: germline.
Comment: In summary, the available evidence is currently insufficient to determine the role of this variant in disease. Therefore, it has been classified as a Variant of Uncertain Significance. Experimental studies and prediction algorithms are not available or were not evaluated, and the functional significance of this variant is currently unknown. This variant has not been reported in the literature in individuals affected with IKZF1-related conditions. This variant is present in population databases (no rsID available, gnomAD 0.005%). This sequence change falls in intron 3 of the IKZF1 gene. It does not directly change the encoded amino acid sequence of the IKZF1 protein.